The following is an entry in ClinVar:

ClinVar aggregate classification (germline): Uncertain significance (1 of 4 stars; one submission).

Conditions:
Congenital hyperammonemia, type I. Also called: Carbamoyl phosphate synthetase 1 deficiency; Hyperammonemia due to carbamoyl phosphate synthetase 1 deficiency; CPS 1 deficiency; Carbamyl phosphate synthetase (CPS) deficiency; CPS I DEFICIENCY; Carbamoyl-phosphate synthase I deficiency. Identifiers: Orphanet 147, MedGen C4082171, MONDO:0009376, OMIM 237300.

Allele frequency attached by ClinVar (database versions not stated): gnomAD 0.00001; gnomAD exomes 0.00001; TOPMed 0.00001.
gnomAD v4.1: 10 of 1,612,470 alleles (0.00062%); highest among the groups gnomAD compares: Non-Finnish European, 0.00085%; no homozygotes.

Submission:

Labcorp Genetics (formerly Invitae), Labcorp
Classification: Uncertain significance for Congenital hyperammonemia, type I. Last evaluated: 2021-08-28. Review status: criteria provided, single submitter. Criteria: Invitae Variant Classification Sherloc (09022015). Collection method: clinical testing. Allele origin: germline.
Comment: This sequence change replaces isoleucine with phenylalanine at codon 332 of the CPS1 protein (p.Ile332Phe). The isoleucine residue is moderately conserved and there is a small physicochemical difference between isoleucine and phenylalanine. This variant is not present in population databases (ExAC no frequency). This variant has not been reported in the literature in individuals affected with CPS1-related conditions. Algorithms developed to predict the effect of missense changes on protein structure and function are either unavailable or do not agree on the potential impact of this missense change (SIFT: "Deleterious"; PolyPhen-2: "Probably Damaging"; Align-GVGD: "Class C0"). In summary, the available evidence is currently insufficient to determine the role of this variant in disease. Therefore, it has been classified as a Variant of Uncertain Significance.

NM_001875.5(CPS1):c.994A>T (p.Ile332Phe)

Gene: CPS1 (carbamoyl-phosphate synthase 1; plus strand). Cytogenetic location: 2q34.
Variant type: single nucleotide variant.
Coding change: c.994A>T on transcript NM_001875.5 (MANE Select); coding-DNA position 994, A replaced by T.
Protein change: p.Ile332Phe; replaces isoleucine 332 with phenylalanine.
Molecular consequence: missense variant. On other transcripts: non-coding transcript variant (1).
Genome position (GRCh38, 1-based): chr2:210,591,877, A>T. VCF-style: chr2-210591877-A-T. GRCh37 (hg19) VCF-style: chr2-211456601-A-T.
Other names: c.994A>T, p.Ile332Phe (NM_001122633.3, NM_001369257.1); c.1027A>T, p.Ile343Phe (NM_001369256.1); short protein forms I332F, I343F.
Identifiers: ClinVar variation 852939 (VCV000852939.7), dbSNP rs1394302181, ClinGen allele CA350430494.